The following is an entry in ClinVar:

NM_006019.4(TCIRG1):c.808-29_808-12del

Gene: TCIRG1 (T cell immune regulator 1, ATPase H+ transporting V0 subunit a3; plus strand). Cytogenetic location: 11q13.2.
Variant type: Deletion.
Coding change: c.808-29_808-12del on transcript NM_006019.4 (MANE Select); 29 bases into the intron before coding-DNA position 808 through 12 bases into the intron before coding-DNA position 808, 18 bases deleted (GCCCCCGCTGACTGCCCA).
Molecular consequence: intron variant.
Genome position (GRCh38, 1-based): chr11:68,044,103-68,044,120, GCCCCCGCTGACTGCCCA deleted; deleting any 18 consecutive bases within chr11:68,044,096-68,044,120 gives the same sequence; the c. name uses the placement nearest the transcript's 3' end. VCF-style (leftmost placement, unchanged base first): chr11-68044095-CCTGCCCAGCCCCCGCTGA-C. GRCh37 (hg19) VCF-style: chr11-67811562-CCTGCCCAGCCCCCGCTGA-C.
Other names: c.-87-29_-87-12del (NM_001351059.2); c.160-29_160-12del (NM_006053.4).
Identifiers: ClinVar variation 3686011 (VCV003686011.2).

ClinVar aggregate classification (germline): Uncertain significance (1 of 4 stars; one submission).

Submission:

Labcorp Genetics (formerly Invitae), Labcorp
Classification: Uncertain significance. Last evaluated: 2024-12-17. Review status: criteria provided, single submitter. Criteria: Invitae Variant Classification Sherloc (09022015). Collection method: clinical testing. Allele origin: germline.
Comment: This sequence change falls in intron 8 of the TCIRG1 gene. It does not directly change the encoded amino acid sequence of the TCIRG1 protein. This variant is not present in population databases (gnomAD no frequency). This variant has not been reported in the literature in individuals affected with TCIRG1-related conditions. Experimental studies and prediction algorithms are not available or were not evaluated, and the effect of this variant on mRNA splicing is currently unknown. In summary, the available evidence is currently insufficient to determine the role of this variant in disease. Therefore, it has been classified as a Variant of Uncertain Significance.